The following is an entry in ClinVar:

NM_001197104.2(KMT2A):c.8065A>G (p.Arg2689Gly)

Gene: KMT2A (lysine methyltransferase 2A; plus strand). Cytogenetic location: 11q23.3.
Variant type: single nucleotide variant.
Coding change: c.8065A>G on transcript NM_001197104.2 (MANE Select); coding-DNA position 8065, A replaced by G.
Protein change: p.Arg2689Gly; replaces arginine 2689 with glycine.
Molecular consequence: missense variant.
Genome position (GRCh38, 1-based): chr11:118,503,957, A>G. VCF-style: chr11-118503957-A-G. GRCh37 (hg19) VCF-style: chr11-118374672-A-G.
Other names: c.8155A>G, p.Arg2719Gly (NM_001412597.1); c.8056A>G, p.Arg2686Gly (NM_005933.4); short protein forms R2686G, R2689G, R2719G.
Identifiers: ClinVar variation 2420674 (VCV002420674.6), dbSNP rs1950541951, ClinGen allele CA382808515.
Genomic context (GRCh38, chr11:118,503,957, plus strand): 5'-GATGGGGCCGATGACTTAAGCACTTCAGATGAAGACGACTTATACTATTACAACTTCACT[A>G]GAACAGTGATTTCTTCAGGTGGAGAGGAACGACTGGCATCCCATAATTTATTTCGGGAGG-3'
Protein context (NP_001184033.1, residues 2679-2699): EDDLYYYNFT[Arg2689Gly]TVISSGGEER

ClinVar aggregate classification (germline): Uncertain significance (1 of 4 stars; one submission).

Allele frequency attached by ClinVar (database versions not stated): TOPMed 0.00005.
gnomAD v4.1: 1 of 1,614,192 alleles (0.000062%); no homozygotes.

Submission:

Labcorp Genetics (formerly Invitae), Labcorp
Classification: Uncertain significance. Last evaluated: 2025-01-06. Review status: criteria provided, single submitter. Criteria: Invitae Variant Classification Sherloc (09022015). Collection method: clinical testing. Allele origin: germline.
Comment: This sequence change replaces arginine, which is basic and polar, with glycine, which is neutral and non-polar, at codon 2689 of the KMT2A protein (p.Arg2689Gly). This variant is not present in population databases (gnomAD no frequency). This variant has not been reported in the literature in individuals affected with KMT2A-related conditions. ClinVar contains an entry for this variant (Variation ID: 2420674). Invitae Evidence Modeling of protein sequence and biophysical properties (such as structural, functional, and spatial information, amino acid conservation, physicochemical variation, residue mobility, and thermodynamic stability) has been performed for this missense variant. However, the output from this modeling did not meet the statistical confidence thresholds required to predict the impact of this variant on KMT2A protein function. In summary, the available evidence is currently insufficient to determine the role of this variant in disease. Therefore, it has been classified as a Variant of Uncertain Significance.